The following is an entry in ClinVar:

ClinVar aggregate classification (germline): Likely benign. Review status: criteria provided, multiple submitters, no conflicts (2 of 4 stars). 2 submissions from 2 submitters: Likely benign (2). Last evaluated 2025-11-07.

Conditions:
SCLT1-related disorder. Also called: SCLT1-related condition.

gnomAD v4.1: 17 of 1,591,170 alleles (0.0011%); highest among the groups gnomAD compares: Non-Finnish European, 0.0015%; no homozygotes.

Submissions (2):

PreventionGenetics, part of Exact Sciences
Classification: Likely benign for SCLT1-related condition. Last evaluated: 2025-11-07. Review status: criteria provided, single submitter. Criteria: ACMG Guidelines, 2015. Collection method: clinical testing. Allele origin: germline.
Comment: This variant is classified as likely benign based on ACMG/AMP sequence variant interpretation guidelines (Richards et al. 2015 PMID: 25741868, with internal and published modifications).

Labcorp Genetics (formerly Invitae), Labcorp
Classification: Likely benign. Last evaluated: 2024-03-11. Review status: criteria provided, single submitter. Criteria: Invitae Variant Classification Sherloc (09022015). Collection method: clinical testing. Allele origin: germline.

NM_144643.4(SCLT1):c.549+10G>T

Gene: SCLT1 (sodium channel and clathrin linker 1; minus strand). Cytogenetic location: 4q28.2.
Variant type: single nucleotide variant.
Coding change: c.549+10G>T on transcript NM_144643.4 (MANE Select); 10 bases into the intron after coding-DNA position 549, G replaced by T.
Molecular consequence: intron variant.
Genome position (GRCh38, 1-based): chr4:128,999,662, C>A on the plus strand (G>T on the coding strand, the complement: SCLT1 is on the minus strand). VCF-style: chr4-128999662-C-A. GRCh37 (hg19) VCF-style: chr4-129920817-C-A.
Other names: c.549+10G>T (NM_001410807.1, NM_144643.3).
Identifiers: ClinVar variation 3676797 (VCV003676797.3).
Genomic context (GRCh38, chr4:128,999,662, plus strand): 5'-CCTCTAAAACAGTTTCTTCAGAGTGCAATTTCTTATTGATATACAAGAAAATGATGAAAT[C>A]CAAGATTACCTTTTGTTTTTGACTTTCAAATACATGAATCTGGGCCTCAGTCATATGTTC-3'